The following is an entry in ClinVar:

NC_012920.1(MT-ND4L):m.10507C>T

Gene: MT-ND4L (mitochondrially encoded NADH dehydrogenase 4L; plus strand).
Variant type: single nucleotide variant.
Genome position: chrM-10507-C-T.
Identifiers: ClinVar variation 693294 (VCV000693294.1), dbSNP rs1603222868, ClinGen allele CA414805622.

ClinVar aggregate classification (germline): Likely benign (1 of 4 stars; one submission).

Conditions:
Leigh syndrome (NULS). Also called: Leigh's necrotizing encephalopathy; Leigh's disease; Leigh Syndrome (mtDNA deletion); Leigh Disease; Subacute necrotizing encephalopathy; Necrotizing encephalopathy infantile subacute of Leigh. Identifiers: Orphanet 506, MedGen C2931891, MONDO:0009723, OMIM 256000.

Submission:

Wong Mito Lab, Molecular and Human Genetics, Baylor College of Medicine
Classification: Likely benign for Leigh syndrome. Last evaluated: 2019-10-17. Review status: criteria provided, single submitter. Criteria: Modified ACMG Guidelines (Unpublished). Collection method: clinical testing. Allele origin: germline.
Comment: The NC_012920.1:m.10507C>T (YP_003024034.1:p.Thr13Ile) variant in MTND4L gene is interpretated to be a Likely Benign variant based on the modified ACMG guidelines (unpublished). This variant meets the following evidence codes: BS4, BP4